The following is an entry in ClinVar:

NM_003482.4(KMT2D):c.15691T>C (p.Ser5231Pro)

Gene: KMT2D (lysine methyltransferase 2D; minus strand). Cytogenetic location: 12q13.12.
Variant type: single nucleotide variant.
Coding change: c.15691T>C on transcript NM_003482.4 (MANE Select); coding-DNA position 15691, T replaced by C.
Protein change: p.Ser5231Pro; replaces serine 5231 with proline.
Molecular consequence: missense variant.
Genome position (GRCh38, 1-based): chr12:49,026,275, A>G on the plus strand (T>C on the coding strand, the complement: KMT2D is on the minus strand). VCF-style: chr12-49026275-A-G. GRCh37 (hg19) VCF-style: chr12-49420058-A-G.
Other names: short protein forms S5231P.
Identifiers: ClinVar variation 4044497 (VCV004044497.1).

ClinVar aggregate classification (germline): Uncertain significance (1 of 4 stars; one submission).

Conditions:
Inborn genetic diseases. Identifiers: MedGen C0950123, MeSH D030342.

Submission:

Ambry Genetics
Classification: Uncertain significance for Inborn genetic diseases. Last evaluated: 2025-04-02. Review status: criteria provided, single submitter. Criteria: Ambry Variant Classification Scheme 2023. Collection method: clinical testing. Allele origin: germline.
Comment: The c.15691T>C (p.S5231P) alteration is located in exon 48 (coding exon 48) of the KMT2D gene. This alteration results from a T to C substitution at nucleotide position 15691, causing the serine (S) at amino acid position 5231 to be replaced by a proline (P). This variant was not reported in population-based cohorts in the Genome Aggregation Database (gnomAD). This amino acid position is not well conserved in available vertebrate species. The in silico prediction for this alteration is inconclusive. Based on insufficient or conflicting evidence, the clinical significance of this alteration remains unclear.